The following is an entry in ClinVar:

ClinVar aggregate classification (germline): Uncertain significance (1 of 4 stars; one submission).

Conditions:
Nephrolithiasis/nephrocalcinosis. Identifiers: MedGen CN580796.

Submission:

Ambry Genetics
Classification: Uncertain significance for Nephrolithiasis/nephrocalcinosis. Last evaluated: 2023-04-13. Review status: criteria provided, single submitter. Criteria: Ambry Variant Classification Scheme 2023. Collection method: clinical testing. Allele origin: germline.
Comment: The p.Q735E variant (also known as c.2203C>G), located in coding exon 6 of the CASR gene, results from a C to G substitution at nucleotide position 2203. The glutamine at codon 735 is replaced by glutamic acid, an amino acid with highly similar properties. This amino acid position is conserved. In addition, this alteration is predicted to be deleterious by in silico analysis. Since supporting evidence is limited at this time, the clinical significance of this alteration remains unclear.

NM_000388.4(CASR):c.2203C>G (p.Gln735Glu)

Gene: CASR (calcium sensing receptor; plus strand). Cytogenetic location: 3q21.1.
Variant type: single nucleotide variant.
Coding change: c.2203C>G on transcript NM_000388.4 (MANE Select); coding-DNA position 2203, C replaced by G.
Protein change: p.Gln735Glu; replaces glutamine 735 with glutamic acid.
Molecular consequence: missense variant.
Genome position (GRCh38, 1-based): chr3:122,284,157, C>G. VCF-style: chr3-122284157-C-G. GRCh37 (hg19) VCF-style: chr3-122003004-C-G.
Other names: c.2233C>G, p.Gln745Glu (NM_001178065.2); short protein forms Q735E, Q745E.
Identifiers: ClinVar variation 3231531 (VCV003231531.1), dbSNP rs1553769052, ClinGen allele CA354159018.
Genomic context (GRCh38, chr3:122,284,157, plus strand): 5'-CACCGCAAGTGGTGGGGGCTCAACCTGCAGTTCCTGCTGGTTTTCCTCTGCACCTTCATG[C>G]AGATTGTCATCTGTGTGATCTGGCTCTACACCGCGCCCCCGTCAAGCTACCGCAACCAGG-3'
Protein context (NP_000379.3, residues 725-745): FLLVFLCTFM[Gln735Glu]IVICVIWLYT